The following is an entry in ClinVar:

ClinVar aggregate classification (germline): Uncertain significance (1 of 4 stars; one submission).

Conditions:
Ullrich congenital muscular dystrophy 2 (UCMD2). Identifiers: Orphanet 75840, MedGen C4225314, MONDO:0014654, OMIM 616470.
Bethlem myopathy 2 (BTHLM2). Identifiers: Orphanet 536516, Orphanet 610, MedGen C4225313, MONDO:0034022, OMIM 616471.

gnomAD v4.1: 10 of 1,603,696 alleles (0.00062%); highest among the groups gnomAD compares: East Asian, 0.0023%; no homozygotes.

Submission:

Labcorp Genetics (formerly Invitae), Labcorp
Classification: Uncertain significance for Bethlem myopathy 2; Ullrich congenital muscular dystrophy 2. Last evaluated: 2025-04-14. Review status: criteria provided, single submitter. Criteria: Invitae Variant Classification Sherloc (09022015). Collection method: clinical testing. Allele origin: germline.
Comment: This sequence change replaces glycine, which is neutral and non-polar, with valine, which is neutral and non-polar, at codon 3061 of the COL12A1 protein (p.Gly3061Val). This variant is present in population databases (no rsID available, gnomAD 0.006%). This variant has not been reported in the literature in individuals affected with COL12A1-related conditions. An algorithm developed to predict the effect of missense changes on protein structure and function (PolyPhen-2) suggests that this variant is likely to be disruptive. Algorithms developed to predict the effect of sequence changes on RNA splicing suggest that this variant may disrupt the consensus splice site. In summary, the available evidence is currently insufficient to determine the role of this variant in disease. Therefore, it has been classified as a Variant of Uncertain Significance.

NM_004370.6(COL12A1):c.9182G>T (p.Gly3061Val)

Gene: COL12A1 (collagen type XII alpha 1 chain; minus strand). Cytogenetic location: 6q13.
Variant type: single nucleotide variant.
Coding change: c.9182G>T on transcript NM_004370.6 (MANE Select); coding-DNA position 9182, G replaced by T.
Protein change: p.Gly3061Val; replaces glycine 3061 with valine.
Molecular consequence: missense variant. On other transcripts: intron variant (2).
Genome position (GRCh38, 1-based): chr6:75,086,557, C>A on the plus strand (G>T on the coding strand, the complement: COL12A1 is on the minus strand). VCF-style: chr6-75086557-C-A. GRCh37 (hg19) VCF-style: chr6-75796273-C-A.
Other names: c.9161G>T, p.Gly3054Val (NM_001424114.1); c.8909G>T, p.Gly2970Val (NM_001424115.1); c.5690G>T, p.Gly1897Val (NM_080645.3); c.5689+1020G>T (NM_001424116.1); c.9181+1020G>T (NM_001424113.1); short protein forms G1897V, G2970V, G3054V, G3061V.
Identifiers: ClinVar variation 4793955 (VCV004793955.1).